The following is an entry in ClinVar:

NM_020778.5(ALPK3):c.4064C>A (p.Ala1355Asp)

Gene: ALPK3 (alpha kinase 3; plus strand). Cytogenetic location: 15q25.3.
Variant type: single nucleotide variant.
Coding change: c.4064C>A on transcript NM_020778.5 (MANE Select); coding-DNA position 4064, C replaced by A.
Protein change: p.Ala1355Asp; replaces alanine 1355 with aspartic acid.
Molecular consequence: missense variant.
Genome position (GRCh38, 1-based): chr15:84,859,874, C>A. VCF-style: chr15-84859874-C-A. GRCh37 (hg19) VCF-style: chr15-85403105-C-A.
Other names: p.Ala1557Asp; short protein forms A1557D, A1355D.
Identifiers: ClinVar variation 384821 (VCV000384821.31), dbSNP rs34775428, ClinGen allele CA7709820.
Genomic context (GRCh38, chr15:84,859,874, plus strand): 5'-AGGCCTCCCCCGTAGACTGCGGTGTGTATCGGTGCACCATCCACAATGAGCACGGCTCGG[C>A]CTCCACCGACTTCTGCCTCAGCCCTGAGGGTGAGTGTGCCCCGCGGCCCGGGGTCTCAGC-3'
Protein context (NP_065829.4, residues 1345-1365): RCTIHNEHGS[Ala1355Asp]STDFCLSPEV

ClinVar aggregate classification (germline): Benign/Likely benign. Review status: criteria provided, multiple submitters, no conflicts (2 of 4 stars). 12 submissions from 12 submitters: Benign (6); Likely benign (3). 3 of the submissions do not count toward it. Last evaluated 2026-03-27.

Conditions:
Cardiomyopathy, familial hypertrophic 27. Identifiers: MedGen C4748014, MONDO:0054838, OMIM 618052.
ALPK3-related disorder. Also called: ALPK3-related condition.
Cardiovascular phenotype. Identifiers: MedGen CN230736.

Allele frequency attached by ClinVar (database versions not stated): 1000 Genomes Project 30x 0.00750; 1000 Genomes Project 0.00759; ExAC 0.01618; gnomAD exomes 0.01647; TOPMed 0.01682; gnomAD 0.01716 and 0.01753; ESP Exome Variant Server 0.02299.
gnomAD v4.1: 40,437 of 1,614,062 alleles (2.5%); highest among the groups gnomAD compares: Non-Finnish European, 3%; 640 homozygotes.

Submissions (12):

Molecular Diagnostic Laboratory for Inherited Cardiovascular Disease, Montreal Heart Institute
Classification: Likely benign. Last evaluated: 2026-03-27. Review status: criteria provided, single submitter. Criteria: ACMG Guidelines, 2015. Collection method: clinical testing. Allele origin: germline. Affected: no.

Labcorp Genetics (formerly Invitae), Labcorp
Classification: Benign. Last evaluated: 2026-02-03. Review status: criteria provided, single submitter. Criteria: Invitae Variant Classification Sherloc (09022015). Collection method: clinical testing. Allele origin: germline.

ARUP Laboratories, Molecular Genetics and Genomics, ARUP Laboratories
Classification: Benign for Cardiomyopathy, familial hypertrophic 27. Last evaluated: 2025-06-25. Review status: criteria provided, single submitter. Criteria: ARUP Molecular Germline Variant Investigation Process 2024. Collection method: clinical testing. Allele origin: germline.

Blueprint Genetics
Classification: Likely benign. Last evaluated: 2024-11-25. Review status: criteria provided, single submitter. Criteria: ACMG Guidelines, 2015. Collection method: clinical testing. Allele origin: germline.

Women's Health and Genetics/Laboratory Corporation of America, LabCorp
Classification: Likely benign. Last evaluated: 2023-04-26. Review status: criteria provided, single submitter. Criteria: LabCorp Variant Classification Summary - May 2015. Collection method: clinical testing. Allele origin: germline.

Mayo Clinic Laboratories, Mayo Clinic
Classification: Benign. Last evaluated: 2023-03-21. Review status: criteria provided, single submitter. Criteria: ACMG Guidelines, 2015. Collection method: clinical testing. Allele origin: germline. Observed: 38 variant alleles.
Comment: BS1, BS2, BP4

Ambry Genetics
Classification: Benign for Cardiovascular phenotype. Last evaluated: 2019-01-04. Review status: criteria provided, single submitter. Criteria: Ambry Variant Classification Scheme 2023. Collection method: clinical testing. Allele origin: germline.

GeneDx
Classification: Benign. Last evaluated: 2016-10-11. Review status: criteria provided, single submitter. Criteria: GeneDx Variant Classification (06012015). Collection method: clinical testing. Allele origin: germline. Affected: yes.
Comment: This variant is considered likely benign or benign based on one or more of the following criteria: it is a conservative change, it occurs at a poorly conserved position in the protein, it is predicted to be benign by multiple in silico algorithms, and/or has population frequency not consistent with disease.

Breakthrough Genomics
Classification: Benign. Review status: criteria provided, single submitter. Criteria: ACMG Guidelines, 2015. Collection method: not provided. Allele origin: germline. Inheritance: Autosomal recessive inheritance. Affected: yes.

PreventionGenetics, part of Exact Sciences
Classification: Benign for ALPK3-related condition. Last evaluated: 2019-03-05. Review status: no assertion criteria provided. Collection method: clinical testing. Allele origin: germline. Not counted in ClinVar's aggregate classification.
Comment: This variant is classified as benign based on ACMG/AMP sequence variant interpretation guidelines (Richards et al. 2015 PMID: 25741868, with internal and published modifications).

Clinical Genetics DNA and cytogenetics Diagnostics Lab, Erasmus MC, Erasmus Medical Center
Classification: Benign. Review status: no assertion criteria provided. Collection method: clinical testing. Allele origin: germline. Affected: yes. Study: VKGL Data-share Consensus. Not counted in ClinVar's aggregate classification.

Clinical Genetics, Academic Medical Center
Classification: Benign. Review status: no assertion criteria provided. Collection method: clinical testing. Allele origin: germline. Affected: yes. Study: VKGL Data-share Consensus. Not counted in ClinVar's aggregate classification.